The following is an entry in ClinVar:

ClinVar aggregate classification (germline): Uncertain significance. Review status: criteria provided, multiple submitters, no conflicts (2 of 4 stars). 3 submissions from 3 submitters: Uncertain significance (3). Last evaluated 2025-09-02.

Allele frequency attached by ClinVar (database versions not stated): gnomAD exomes below 0.00001 and 0.00001; ExAC 0.00001; TOPMed 0.00002.
gnomAD v4.1: 2 of 1,211,483 alleles (0.00017%); highest among the groups gnomAD compares: Admixed American, 0.0022%; no homozygotes.

Submissions (3):

Labcorp Genetics (formerly Invitae), Labcorp
Classification: Uncertain significance. Last evaluated: 2025-09-02. Review status: criteria provided, single submitter. Criteria: Invitae Variant Classification Sherloc (09022015). Collection method: clinical testing. Allele origin: germline.
Comment: This sequence change replaces lysine, which is basic and polar, with arginine, which is basic and polar, at codon 1446 of the NEXMIF protein (p.Lys1446Arg). This variant is present in population databases (rs771736722, gnomAD 0.001%). This variant has not been reported in the literature in individuals affected with NEXMIF-related conditions. ClinVar contains an entry for this variant (Variation ID: 588029). An algorithm developed to predict the effect of missense changes on protein structure and function (PolyPhen-2) suggests that this variant is likely to be disruptive. In summary, the available evidence is currently insufficient to determine the role of this variant in disease. Therefore, it has been classified as a Variant of Uncertain Significance.

Ambry Genetics
Classification: Uncertain significance. Last evaluated: 2025-08-23. Review status: criteria provided, single submitter. Criteria: Ambry Variant Classification Scheme 2023. Collection method: clinical testing. Allele origin: germline.

Women's Health and Genetics/Laboratory Corporation of America, LabCorp
Classification: Uncertain significance. Last evaluated: 2024-03-01. Review status: criteria provided, single submitter. Criteria: LabCorp Variant Classification Summary - May 2015. Collection method: clinical testing. Allele origin: germline.
Comment: Variant summary: NEXMIF c.4337A>G (p.Lys1446Arg) results in a conservative amino acid change in the encoded protein sequence. Three of five in-silico tools predict a benign effect of the variant on protein function. The variant allele was found at a frequency of 5.5e-06 in 183280 control chromosomes. The available data on variant occurrences in the general population are insufficient to allow any conclusion about variant significance. To our knowledge, no occurrence of c.4337A>G in individuals affected with Intellectual Developmental Disorder, X-Linked 98 and no experimental evidence demonstrating its impact on protein function have been reported. ClinVar contains an entry for this variant (Variation ID: 588029). Based on the evidence outlined above, the variant was classified as uncertain significance.

NM_001008537.3(NEXMIF):c.4337A>G (p.Lys1446Arg)

Gene: NEXMIF (neurite extension and migration factor; minus strand). Cytogenetic location: Xq13.3.
Variant type: single nucleotide variant.
Coding change: c.4337A>G on transcript NM_001008537.3 (MANE Select); coding-DNA position 4337, A replaced by G.
Protein change: p.Lys1446Arg; replaces lysine 1446 with arginine.
Molecular consequence: missense variant.
Genome position (GRCh38, 1-based): chrX:74,740,220, T>C on the plus strand (A>G on the coding strand, the complement: NEXMIF is on the minus strand). VCF-style: chrX-74740220-T-C. GRCh37 (hg19) VCF-style: chrX-73960055-T-C.
Other names: short protein forms K1446R.
Identifiers: ClinVar variation 588029 (VCV000588029.15), dbSNP rs771736722, ClinGen allele CA10454842.